The following is an entry in ClinVar:

ClinVar aggregate classification (germline): Uncertain significance. Review status: criteria provided, multiple submitters, no conflicts (2 of 4 stars). 2 submissions from 2 submitters: Uncertain significance (2). Last evaluated 2025-12-02.

Conditions:
Inborn genetic diseases. Identifiers: MedGen C0950123, MeSH D030342.

Allele frequency attached by ClinVar (database versions not stated): TOPMed below 0.00001.

Submissions (2):

Ambry Genetics
Classification: Uncertain significance for Inborn genetic diseases. Last evaluated: 2025-12-02. Review status: criteria provided, single submitter. Criteria: Ambry Variant Classification Scheme 2023. Collection method: clinical testing. Allele origin: germline.

GeneDx
Classification: Uncertain significance. Last evaluated: 2023-03-23. Review status: criteria provided, single submitter. Criteria: GeneDx Variant Classification Process June 2021. Collection method: clinical testing. Allele origin: germline. Affected: yes.
Comment: Not observed at significant frequency in large population cohorts (gnomAD); In silico analysis supports that this missense variant has a deleterious effect on protein structure/function; Has not been previously published as pathogenic or benign to our knowledge

NM_001242896.3(DEPDC5):c.4303C>T (p.Leu1435Phe)

Gene: DEPDC5 (DEP domain containing 5, GATOR1 subcomplex subunit; plus strand). Cytogenetic location: 22q12.3.
Variant type: single nucleotide variant.
Coding change: c.4303C>T on transcript NM_001242896.3 (MANE Select); coding-DNA position 4303, C replaced by T.
Protein change: p.Leu1435Phe; replaces leucine 1435 with phenylalanine.
Molecular consequence: missense variant. On other transcripts: non-coding transcript variant (5).
Genome position (GRCh38, 1-based): chr22:31,897,581, C>T. VCF-style: chr22-31897581-C-T. GRCh37 (hg19) VCF-style: chr22-32293567-C-T.
Other names: c.4276C>T, p.Leu1426Phe (NM_001136029.4); c.4003C>T, p.Leu1335Phe (NM_001242897.2); c.4237C>T, p.Leu1413Phe (NM_001363852.2, NM_001364320.2); c.4069C>T, p.Leu1357Phe (NM_001363854.2, NM_001364319.2); c.4303C>T, p.Leu1435Phe (NM_001364318.2); c.4219C>T, p.Leu1407Phe (NM_001369901.1, NM_001369902.1); c.4210C>T, p.Leu1404Phe (NM_001369903.1, NM_014662.6); short protein forms L1335F, L1357F, L1404F, L1407F, L1413F, L1426F, L1435F.
Identifiers: ClinVar variation 2582066 (VCV002582066.2), dbSNP rs2093576006, ClinGen allele CA411288526.